The following is an entry in ClinVar:

NM_004572.3:c.224_1034del

Gene: PKP2 (plakophilin 2; minus strand).
Variant type: Deletion.
Identifiers: ClinVar variation 3256715 (VCV003256715.1).

ClinVar aggregate classification (germline): Pathogenic (1 of 4 stars; one submission).

Conditions:
Arrhythmogenic right ventricular dysplasia 9 (ARVD9). Also called: Arrhythmogenic Right Ventricular Dysplasia/Cardiomyopathy 9; ARRHYTHMOGENIC RIGHT VENTRICULAR DYSPLASIA, FAMILIAL, 9. Identifiers: MedGen C1836906, MONDO:0012180, OMIM 609040.

Submission:

Clinical Genomics Laboratory, Stanford Medicine
Classification: Pathogenic for Arrhythmogenic right ventricular dysplasia 9. Last evaluated: 2021-12-10. Review status: criteria provided, single submitter. Criteria: ACMG Guidelines, 2015. Collection method: clinical testing. Allele origin: germline. Affected: yes. Observed: 1 heterozygote.
Comment: This deletion includes exons 2-3 of the PKP2 gene. The breakpoints of this event occur in introns 1 and 3. Overlapping and similar-sized deletions involving the PKP2 gene have been previously reported in association with arrhythmogenic right ventricular cardiomyopathy (Broendberg et al., 2018). Overlapping and similar-sized deletions involving the PKP2 gene are not present in population databases, including the Genome Aggregation Database and the Database of Genomic Variants. This deletion removes 2 out of 14 exons of the PKP2 gene and is expected to result in a truncated or absent protein product. Heterozygous loss of function is an established mechanism of disease for the PKP2 gene. These data were assessed using the ACMG/ClinGen copy number variant interpretation guidelines. In summary, there is sufficient evidence to classify the deletion of exons 2-3 of the PKP2 gene as pathogenic for autosomal dominant arrhythmogenic right ventricular cardiomyopathy based on the information above.